The following is an entry in ClinVar:

ClinVar aggregate classification (germline): Uncertain significance (1 of 4 stars; one submission).

Submission:

Labcorp Genetics (formerly Invitae), Labcorp
Classification: Uncertain significance. Last evaluated: 2022-08-19. Review status: criteria provided, single submitter. Criteria: Invitae Variant Classification Sherloc (09022015). Collection method: clinical testing. Allele origin: germline.
Comment: This variant has not been reported in the literature in individuals affected with TTC37-related conditions. In summary, the available evidence is currently insufficient to determine the role of this variant in disease. Therefore, it has been classified as a Variant of Uncertain Significance. Algorithms developed to predict the effect of missense changes on protein structure and function are either unavailable or do not agree on the potential impact of this missense change (SIFT: "Deleterious"; PolyPhen-2: "Probably Damaging"; Align-GVGD: "Class C0"). This variant is not present in population databases (gnomAD no frequency). This sequence change replaces tyrosine, which is neutral and polar, with cysteine, which is neutral and slightly polar, at codon 648 of the TTC37 protein (p.Tyr648Cys).

NM_014639.4(SKIC3):c.1943A>G (p.Tyr648Cys)

Gene: SKIC3 (SKI3 subunit of superkiller complex; minus strand). Cytogenetic location: 5q15.
Variant type: single nucleotide variant.
Coding change: c.1943A>G on transcript NM_014639.4 (MANE Select); coding-DNA position 1943, A replaced by G.
Protein change: p.Tyr648Cys; replaces tyrosine 648 with cysteine.
Molecular consequence: missense variant.
Genome position (GRCh38, 1-based): chr5:95,522,122, T>C on the plus strand (A>G on the coding strand, the complement: SKIC3 is on the minus strand). VCF-style: chr5-95522122-T-C. GRCh37 (hg19) VCF-style: chr5-94857826-T-C.
Other names: short protein forms Y648C.
Identifiers: ClinVar variation 2020200 (VCV002020200.4), dbSNP rs2530765371, ClinGen allele CA360462688.
Genomic context (GRCh38, chr5:95,522,122, plus strand): 5'-GCAGGCACATAATCTTCTTTCTTTTTAATGATCATCTGGTATTGAGCTACAGCCTCCTTA[T>C]ATTTGCCTAGGATTTGCTGTATTGCTGCAACCTTAAACACACTGTATATGGATTCTGGGT-3'
Protein context (NP_055454.1, residues 638-658): VAAIQQILGK[Tyr648Cys]KEAVAQYQMI